The following is an entry in ClinVar:

NM_021969.3(NR0B2):c.461A>C (p.Glu154Ala)

Genes: NR0B2 (nuclear receptor subfamily 0 group B member 2; minus strand), NUDC (nuclear distribution C, dynein complex regulator; plus strand). Cytogenetic location: 1p36.11.
Variant type: single nucleotide variant.
Coding change: c.461A>C on transcript NM_021969.3 (MANE Select); coding-DNA position 461, A replaced by C.
Protein change: p.Glu154Ala; replaces glutamic acid 154 with alanine.
Molecular consequence: missense variant.
Genome position (GRCh38, 1-based): chr1:26,913,480, T>G on the plus strand (A>C on the coding strand, the complement: NR0B2 is on the minus strand). VCF-style: chr1-26913480-T-G. GRCh37 (hg19) VCF-style: chr1-27239971-T-G.
Other names: short protein forms E154A.
Identifiers: ClinVar variation 3356819 (VCV003356819.1).
Genomic context (GRCh38, chr1:26,913,480, plus strand): 5'-AGGATGGTCCCTTTCAGGCAGGCATATTCCTTGGGGCTAAGCTCCAGGCTCCAGAAGGAC[T>G]CCAGACAGCATTGAAGCCACTGCACCGCAGCCAGGGAGGGCTGGGGTCTGTCTGGCAGTT-3'
Protein context (NP_068804.1, residues 144-164): AAVQWLQCCL[Glu154Ala]SFWSLELSPK

ClinVar aggregate classification (germline): Uncertain significance (0 of 4 stars; one submission).

Conditions:
NR0B2-related disorder. Also called: NR0B2-related condition.

Submission:

PreventionGenetics, part of Exact Sciences
Classification: Uncertain significance for NR0B2-related condition. Last evaluated: 2024-09-15. Review status: no assertion criteria provided. Collection method: clinical testing. Allele origin: germline.
Comment: The NR0B2 c.461A>C variant is predicted to result in the amino acid substitution p.Glu154Ala. To our knowledge, this variant has not been reported in the literature or in a large population database, indicating this variant is rare. At this time, the clinical significance of this variant is uncertain due to the absence of conclusive functional and genetic evidence.